The following is an entry in ClinVar:

ClinVar aggregate classification (germline): Likely pathogenic. Review status: criteria provided, multiple submitters, no conflicts (2 of 4 stars). 4 submissions from 4 submitters: Likely pathogenic (3). 1 of the submissions does not count toward it. Last evaluated 2024-06-19.

Conditions:
Microcephaly, normal intelligence and immunodeficiency (NBS). Also called: SEEMANOVA SYNDROME II; Microcephaly with normal intelligence immunodeficiency and lymphoreticular malignancies; Nonsyndromal microcephaly autosomal recessive with normal intelligence; Seemanova syndrome 2; BERLIN BREAKAGE SYNDROME; Ataxia telangiectasia variant V1. Identifiers: Orphanet 647, MedGen C0398791, MONDO:0009623, OMIM 251260.
Acute lymphoid leukemia (ALL). Also called: Leukemia, acute lymphoblastic, somatic; Acute lymphoblastic leukemia; Acute lymphocytic leukemia; Lymphoblastic leukemia. Identifiers: Orphanet 513, MedGen C0023449, MONDO:0004967, OMIM 613065, HP:0006721.
Aplastic anemia. Identifiers: Orphanet 182040, Orphanet 88, MedGen C0002874, MONDO:0015909, OMIM 609135, HP:0001915.
Gastric cancer. Also called: Malignant tumor of stomach; Stomach cancer. Identifiers: MedGen C0024623, MeSH D013274, MONDO:0001056, OMIM 613659, HP:0012126.

Submissions (4):

Fulgent Genetics
Classification: Likely pathogenic for Microcephaly, normal intelligence and immunodeficiency; Aplastic anemia; Acute lymphoid leukemia. Last evaluated: 2024-06-19. Review status: criteria provided, single submitter. Criteria: ACMG Guidelines, 2015. Collection method: clinical testing. Allele origin: germline.

Labcorp Genetics (formerly Invitae), Labcorp
Classification: Likely pathogenic for Microcephaly, normal intelligence and immunodeficiency. Last evaluated: 2024-05-06. Review status: criteria provided, single submitter. Criteria: Invitae Variant Classification Sherloc (09022015). Collection method: clinical testing. Allele origin: germline.
Comment: This sequence change affects a donor splice site in intron 7 of the NBN gene. It is expected to disrupt RNA splicing. Variants that disrupt the donor or acceptor splice site typically lead to a loss of protein function (PMID: 16199547), and loss-of-function variants in NBN are known to be pathogenic (PMID: 9590180, 16415040). This variant is not present in population databases (gnomAD no frequency). This variant has not been reported in the literature in individuals affected with NBN-related conditions. ClinVar contains an entry for this variant (Variation ID: 630494). Algorithms developed to predict the effect of sequence changes on RNA splicing suggest that this variant may disrupt the consensus splice site. In summary, the currently available evidence indicates that the variant is pathogenic, but additional data are needed to prove that conclusively. Therefore, this variant has been classified as Likely Pathogenic.

Baylor Genetics
Classification: Likely pathogenic for Aplastic anemia. Last evaluated: 2023-12-20. Review status: criteria provided, single submitter. Criteria: ACMG Guidelines, 2015. Collection method: clinical testing. Allele origin: unknown.

Laboratory for Genotyping Development, RIKEN
Classification: Pathogenic for Gastric cancer. Last evaluated: 2021-07-01. Review status: no assertion criteria provided. Collection method: research. Allele origin: germline. Not counted in ClinVar's aggregate classification.

Literature cited by the submitters: PubMed 16199547 (cited by Labcorp Genetics (formerly Invitae), Labcorp); PubMed 9590180 (cited by Labcorp Genetics (formerly Invitae), Labcorp); PubMed 16415040 (cited by Labcorp Genetics (formerly Invitae), Labcorp); PubMed 36988593 (cited by Laboratory for Genotyping Development, RIKEN).

NM_002485.5(NBN):c.896+1G>A

Gene: NBN (nibrin; minus strand). Cytogenetic location: 8q21.3.
Variant type: single nucleotide variant.
Coding change: c.896+1G>A on transcript NM_002485.5 (MANE Select); the canonical splice donor site of the intron after coding-DNA position 896, G replaced by A.
Molecular consequence: splice donor variant.
Genome position (GRCh38, 1-based): chr8:89,970,363, C>T on the plus strand (G>A on the coding strand, the complement: NBN is on the minus strand). VCF-style: chr8-89970363-C-T. GRCh37 (hg19) VCF-style: chr8-90982591-C-T.
Other names: c.650+1G>A (NM_001024688.3).
Identifiers: ClinVar variation 630494 (VCV000630494.29), dbSNP rs778306619, ClinGen allele CA371658137.
Genomic context (GRCh38, chr8:89,970,363, plus strand): 5'-AAAAGGTTAAACATAAAATCTCCTACTTGCAGTTTTTTACTAATAAAGAATAATTCTATA[C>T]CTTTGGAGCATATCCATTATTGACTGAATCCATTTCTTCTGACAGTCAGGAATTAAGGTC-3'